The following is an entry in ClinVar:

ClinVar aggregate classification (germline): Uncertain significance. Review status: criteria provided, multiple submitters, no conflicts (2 of 4 stars). 2 submissions from 2 submitters: Uncertain significance (2). Last evaluated 2025-04-28.

Submissions (2):

Labcorp Genetics (formerly Invitae), Labcorp
Classification: Uncertain significance. Last evaluated: 2025-04-28. Review status: criteria provided, single submitter. Criteria: Invitae Variant Classification Sherloc (09022015). Collection method: clinical testing. Allele origin: germline.
Comment: This sequence change replaces serine, which is neutral and polar, with phenylalanine, which is neutral and non-polar, at codon 443 of the SLC4A1 protein (p.Ser443Phe). This variant is not present in population databases (gnomAD no frequency). This variant has not been reported in the literature in individuals affected with SLC4A1-related conditions. Invitae Evidence Modeling of protein sequence and biophysical properties (such as structural, functional, and spatial information, amino acid conservation, physicochemical variation, residue mobility, and thermodynamic stability) indicates that this missense variant is expected to disrupt SLC4A1 protein function with a positive predictive value of 80%. In summary, the available evidence is currently insufficient to determine the role of this variant in disease. Therefore, it has been classified as a Variant of Uncertain Significance.

Blueprint Genetics
Classification: Uncertain significance. Last evaluated: 2020-03-12. Review status: criteria provided, single submitter. Criteria: ACMG Guidelines, 2015. Collection method: clinical testing. Allele origin: germline.

NM_000342.4(SLC4A1):c.1328C>T (p.Ser443Phe)

Gene: SLC4A1 (solute carrier family 4 member 1 (Diego blood group); minus strand). Cytogenetic location: 17q21.31.
Variant type: single nucleotide variant.
Coding change: c.1328C>T on transcript NM_000342.4 (MANE Select); coding-DNA position 1328, C replaced by T.
Protein change: p.Ser443Phe; replaces serine 443 with phenylalanine.
Molecular consequence: missense variant.
Genome position (GRCh38, 1-based): chr17:44,257,762, G>A on the plus strand (C>T on the coding strand, the complement: SLC4A1 is on the minus strand). VCF-style: chr17-44257762-G-A. GRCh37 (hg19) VCF-style: chr17-42335130-G-A.
Other names: short protein forms S443F.
Identifiers: ClinVar variation 4741265 (VCV004741265.2).
Genomic context (GRCh38, chr17:44,257,762, plus strand): 5'-CCGACCACAAGCAGGGGCTGAGCCCCCAGCAGGGCGAAGAGAATGCCCTGCACTGCAGTG[G>A]AGATCAGCAGCTCCGACACTCCCATCTGGTTCCGGGTCTTTTCTCCTGTGGGTAGAGGTC-3'
Protein context (NP_000333.1, residues 433-453): NQMGVSELLI[Ser443Phe]TAVQGILFAL